The following is an entry in ClinVar:

ClinVar aggregate classification (germline): Pathogenic (1 of 4 stars; one submission).

Conditions:
Familial adenomatous polyposis 1 (FAP1). Also called: FAMILIAL ADENOMATOUS POLYPOSIS 1, ATTENUATED; POLYPOSIS, ADENOMATOUS INTESTINAL. Identifiers: MedGen C2713442, MONDO:0021056, OMIM 175100. Disease mechanism: loss of function.

Submission:

Myriad Genetics, Inc.
Classification: Pathogenic for Familial adenomatous polyposis 1. Last evaluated: 2024-09-03. Review status: criteria provided, single submitter. Criteria: Myriad Autosomal Dominant, Autosomal Recessive and X-Linked Classification Criteria (2023). Collection method: clinical testing. Allele origin: unknown.
Comment: This variant is considered pathogenic. This variant creates a frameshift predicted to result in premature protein truncation.

NM_000038.6(APC):c.6747_6748del (p.Gly2250fs)

Gene: APC (APC regulator of Wnt signaling pathway; plus strand). Cytogenetic location: 5q22.2.
Variant type: Deletion.
Coding change: c.6747_6748del on transcript NM_000038.6 (MANE Select); coding-DNA positions 6747 to 6748, 2 bases deleted (AG; older notation c.6747_6748delAG).
Protein change: p.Gly2250fs; shifts the reading frame from glycine 2250.
Molecular consequence: frameshift variant. On other transcripts: non-coding transcript variant (2).
Genome position (GRCh38, 1-based): chr5:112,842,341-112,842,342, AG deleted. VCF-style (leftmost placement, unchanged base first): chr5-112842340-AAG-A. GRCh37 (hg19) VCF-style: chr5-112178037-AAG-A.
Other names: c.6747_6748del, p.Gly2250fs (NM_001127510.3, NM_001354895.2, NM_001407450.1); c.6693_6694del, p.Gly2232fs (NM_001127511.3); c.6801_6802del, p.Gly2268fs (NM_001354896.2, NM_001407447.1, NM_001407448.1 and 1 more transcripts); c.6777_6778del, p.Gly2260fs (NM_001354897.2); c.6672_6673del, p.Gly2225fs (NM_001354898.2); c.6663_6664del, p.Gly2222fs (NM_001354899.2); c.6624_6625del, p.Gly2209fs (NM_001354900.2); c.6570_6571del, p.Gly2191fs (NM_001354901.2, NM_001407453.1); and 11 more; short protein forms G1866fs, G1967fs, G2090fs, G2121fs, G2124fs, G2149fs, G2159fs, G2167fs.
Identifiers: ClinVar variation 3379271 (VCV003379271.1).